The following is an entry in ClinVar:

NM_006312.6(NCOR2):c.6459C>T (p.Ser2153=)

Gene: NCOR2 (nuclear receptor corepressor 2; minus strand). Cytogenetic location: 12q24.31.
Variant type: single nucleotide variant.
Coding change: c.6459C>T on transcript NM_006312.6 (MANE Select); coding-DNA position 6459, C replaced by T.
Protein change: p.Ser2153=; no amino-acid change (serine 2153 retained).
Molecular consequence: synonymous variant.
Genome position (GRCh38, 1-based): chr12:124,334,570, G>A on the plus strand (C>T on the coding strand, the complement: NCOR2 is on the minus strand). VCF-style: chr12-124334570-G-A. GRCh37 (hg19) VCF-style: chr12-124819116-G-A.
Other names: c.6459C>T (NM_006312.5); c.6429C>T, p.Ser2143= (NM_001077261.4, NM_001206654.2).
Identifiers: ClinVar variation 2643550 (VCV002643550.25), dbSNP rs749041664, ClinGen allele CA6867506.

ClinVar aggregate classification (germline): Likely benign. Review status: criteria provided, multiple submitters, no conflicts (2 of 4 stars). 2 submissions from 2 submitters: Likely benign (2). Last evaluated 2025-03-05.

Allele frequency attached by ClinVar (database versions not stated): gnomAD exomes 0.00002; TOPMed 0.00002; 1000 Genomes Project 30x 0.00016; gnomAD 0.00001.
gnomAD v4.1: 25 of 1,411,458 alleles (0.0018%); highest among the groups gnomAD compares: East Asian, 0.0028%; no homozygotes.

Submissions (2):

Ambry Genetics
Classification: Likely benign. Last evaluated: 2025-03-05. Review status: criteria provided, single submitter. Criteria: Ambry Variant Classification Scheme 2023. Collection method: clinical testing. Allele origin: germline.

CeGaT Center for Human Genetics Tuebingen
Classification: Likely benign. Last evaluated: 2022-05-01. Review status: criteria provided, single submitter. Criteria: CeGaT Center For Human Genetics Tuebingen Variant Classification Criteria Version 2. Collection method: clinical testing. Allele origin: germline. Affected: yes. Observed: 1 variant allele.
Comment: NCOR2: BP4, BP7